The following is an entry in ClinVar:

NM_007103.4(NDUFV1):c.1203G>T (p.Arg401Ser)

Genes: NDUFV1 (NADH:ubiquinone oxidoreductase core subunit V1; plus strand), LOC126861242 (CDK7 strongly-dependent group 2 enhancer GRCh37_chr11:67379204-67380403; plus strand). Cytogenetic location: 11q13.2.
Variant type: single nucleotide variant.
Coding change: c.1203G>T on transcript NM_007103.4 (MANE Select); coding-DNA position 1203, G replaced by T.
Protein change: p.Arg401Ser; replaces arginine 401 with serine.
Molecular consequence: missense variant.
Genome position (GRCh38, 1-based): chr11:67,612,160, G>T. VCF-style: chr11-67612160-G-T. GRCh37 (hg19) VCF-style: chr11-67379631-G-T.
Other names: p.Arg401Ser; c.1176G>T, p.Arg392Ser (NM_001166102.2); short protein forms R392S, R401S.
Identifiers: ClinVar variation 2418364 (VCV002418364.6), dbSNP rs371009249, ClinGen allele CA381542354.

ClinVar aggregate classification (germline): Uncertain significance. Review status: criteria provided, multiple submitters, no conflicts (2 of 4 stars). 2 submissions from 2 submitters: Uncertain significance (2). Last evaluated 2024-06-11.

gnomAD v4.1: 4 of 1,613,514 alleles (0.00025%); highest among the groups gnomAD compares: Admixed American, 0.005%; no homozygotes.

Submissions (2):

Mayo Clinic Laboratories, Mayo Clinic
Classification: Uncertain significance. Last evaluated: 2024-06-11. Review status: criteria provided, single submitter. Criteria: ACMG Guidelines, 2015. Collection method: clinical testing. Allele origin: germline. Observed: 1 variant allele.

Labcorp Genetics (formerly Invitae), Labcorp
Classification: Uncertain significance. Last evaluated: 2022-06-14. Review status: criteria provided, single submitter. Criteria: Invitae Variant Classification Sherloc (09022015). Collection method: clinical testing. Allele origin: germline.
Comment: This variant is present in population databases (no rsID available, gnomAD 0.006%). This sequence change replaces arginine, which is basic and polar, with serine, which is neutral and polar, at codon 401 of the NDUFV1 protein (p.Arg401Ser). This variant has not been reported in the literature in individuals affected with NDUFV1-related conditions. In summary, the available evidence is currently insufficient to determine the role of this variant in disease. Therefore, it has been classified as a Variant of Uncertain Significance. Advanced modeling of protein sequence and biophysical properties (such as structural, functional, and spatial information, amino acid conservation, physicochemical variation, residue mobility, and thermodynamic stability) performed at Invitae indicates that this missense variant is not expected to disrupt NDUFV1 protein function.